The following is an entry in ClinVar:

NC_000022.11:g.40346360G>A

Gene: ADSL (adenylosuccinate lyase; plus strand). Cytogenetic location: 22q13.1.
Variant type: single nucleotide variant.
Genome position: GRCh38 VCF-style: chr22-40346360-G-A. GRCh37 (hg19) VCF-style: chr22-40742364-G-A.
Identifiers: ClinVar variation 1422468 (VCV001422468.4), dbSNP rs1379918231, ClinGen allele CA639408305.
Genomic context (GRCh38, chr22:40,346,360, plus strand): 5'-GACAGGAAAACTAAAGTGTAGCGCGGCTAAGTAACGTAGGAAGCATCAATCATGTTTCTG[G>A]TCAAAGAAGCGAACCAAGTCAATTCTCAGGCAGAAGCAGCGGAGATTCTCCGCAGCCGGC-3'

ClinVar aggregate classification (germline): Uncertain significance (1 of 4 stars; one submission).

Conditions:
Adenylosuccinate lyase deficiency (ADSLD). Also called: ADSL DEFICIENCY. Identifiers: Orphanet 46, MedGen C0268126, MONDO:0007068, OMIM 103050.

Allele frequency attached by ClinVar (database versions not stated): TOPMed below 0.00001; gnomAD 0.00001; gnomAD exomes 0.00003.

Submission:

Labcorp Genetics (formerly Invitae), Labcorp
Classification: Uncertain significance for Adenylosuccinate lyase deficiency. Last evaluated: 2025-04-19. Review status: criteria provided, single submitter. Criteria: Invitae Variant Classification Sherloc (09022015). Collection method: clinical testing. Allele origin: germline.
Comment: This variant occurs in a non-coding region of the ADSL gene. It does not change the encoded amino acid sequence of the ADSL protein. This variant is present in population databases (no rsID available, gnomAD 0.007%). This variant has not been reported in the literature in individuals affected with ADSL-related conditions. Experimental studies and prediction algorithms are not available or were not evaluated, and the functional significance of this variant is currently unknown. In summary, the available evidence is currently insufficient to determine the role of this variant in disease. Therefore, it has been classified as a Variant of Uncertain Significance.